The following is an entry in ClinVar:

NM_018122.5(DARS2):c.346G>T (p.Val116Leu)

Gene: DARS2 (aspartyl-tRNA synthetase 2, mitochondrial; plus strand). Cytogenetic location: 1q25.1.
Variant type: single nucleotide variant.
Coding change: c.346G>T on transcript NM_018122.5 (MANE Select); coding-DNA position 346, G replaced by T.
Protein change: p.Val116Leu; replaces valine 116 with leucine.
Molecular consequence: missense variant.
Genome position (GRCh38, 1-based): chr1:173,830,711, G>T. VCF-style: chr1-173830711-G-T. GRCh37 (hg19) VCF-style: chr1-173799849-G-T.
Other names: c.346G>T, p.Val116Leu (NM_001365212.1, NM_001365213.2); c.346G>T (NM_018122.4); short protein forms V116L.
Identifiers: ClinVar variation 1357933 (VCV001357933.7), dbSNP rs1024515393, ClinGen allele CA32767287.

ClinVar aggregate classification (germline): Uncertain significance. Review status: criteria provided, multiple submitters, no conflicts (2 of 4 stars). 2 submissions from 2 submitters: Uncertain significance (2). Last evaluated 2025-06-03.

Conditions:
DARS2-related disorder. Also called: DARS2-related condition.

gnomAD v4.1: 10 of 1,614,074 alleles (0.00062%); highest among the groups gnomAD compares: South Asian, 0.0055%; no homozygotes.

Submissions (2):

PreventionGenetics, part of Exact Sciences
Classification: Uncertain significance for DARS2-related condition. Last evaluated: 2025-06-03. Review status: criteria provided, single submitter. Criteria: ACMG Guidelines, 2015. Collection method: clinical testing. Allele origin: germline.
Comment: The DARS2 c.346G>T variant is predicted to result in the amino acid substitution p.Val116Leu. To our knowledge, this variant has not been reported in the literature. This variant is reported in 0.0065% of alleles in individuals of South Asian descent in gnomAD. At this time, the clinical significance of this variant is uncertain due to the absence of conclusive functional and genetic evidence.

Labcorp Genetics (formerly Invitae), Labcorp
Classification: Uncertain significance. Last evaluated: 2021-12-02. Review status: criteria provided, single submitter. Criteria: Invitae Variant Classification Sherloc (09022015). Collection method: clinical testing. Allele origin: germline.
Comment: This sequence change replaces valine, which is neutral and non-polar, with leucine, which is neutral and non-polar, at codon 116 of the DARS2 protein (p.Val116Leu). This variant is present in population databases (no rsID available, gnomAD 0.006%). This variant has not been reported in the literature in individuals affected with DARS2-related conditions. Advanced modeling of protein sequence and biophysical properties (such as structural, functional, and spatial information, amino acid conservation, physicochemical variation, residue mobility, and thermodynamic stability) performed at Invitae indicates that this missense variant is not expected to disrupt DARS2 protein function. In summary, the available evidence is currently insufficient to determine the role of this variant in disease. Therefore, it has been classified as a Variant of Uncertain Significance.